The following is an entry in ClinVar:

ClinVar aggregate classification (germline): Benign/Likely benign. Review status: criteria provided, multiple submitters, no conflicts (2 of 4 stars). 3 submissions from 3 submitters: Benign (1); Likely benign (2). Last evaluated 2025-03-04.

Allele frequency attached by ClinVar (database versions not stated): ESP Exome Variant Server 0.00292; gnomAD 0.00328; TOPMed 0.00341; 1000 Genomes Project 30x 0.00781; 1000 Genomes Project 0.00839.
gnomAD v4.1: 9,145 of 1,613,842 alleles (0.57%); highest among the groups gnomAD compares: South Asian, 2.3%; 70 homozygotes.

Submissions (18):

Center for Genomic Medicine, Rigshospitalet, Copenhagen University Hospital
Classification: Benign. Last evaluated: 2025-03-04. Review status: criteria provided, single submitter. Criteria: ACMG Guidelines, 2015. Collection method: clinical testing. Allele origin: germline.

GeneDx
Classification: Likely benign. Last evaluated: 2018-06-15. Review status: criteria provided, single submitter. Criteria: GeneDx Variant Classification (06012015). Collection method: clinical testing. Allele origin: germline. Affected: yes.
Comment: This variant is considered likely benign or benign based on one or more of the following criteria: it is a conservative change, it occurs at a poorly conserved position in the protein, it is predicted to be benign by multiple in silico algorithms, and/or has population frequency not consistent with disease.

Breakthrough Genomics
Classification: Likely benign. Review status: criteria provided, single submitter. Criteria: ACMG Guidelines, 2015. Collection method: not provided. Allele origin: germline. Inheritance: Autosomal dominant inheritance. Affected: yes.

Dr. Peter K. Rogan Lab, Western University
No classification provided (evidence only). Condition: Melanoma. Review status: no classification provided. Collection method: in vitro. Allele origin: not applicable. Functional consequence: skipped exon, retained intron. Not counted in ClinVar's aggregate classification.

Dr. Peter K. Rogan Lab, Western University
No classification provided (evidence only). Condition: Familial cancer of breast. Review status: no classification provided. Collection method: in vitro. Allele origin: not applicable. Functional consequence: retained intron. Not counted in ClinVar's aggregate classification.

Dr. Peter K. Rogan Lab, Western University
No classification provided (evidence only). Condition: Familial cancer of breast. Review status: no classification provided. Collection method: in vitro. Allele origin: not applicable. Functional consequence: retained intron. Not counted in ClinVar's aggregate classification.

Dr. Peter K. Rogan Lab, Western University
No classification provided (evidence only). Condition: Acute myeloid leukemia. Review status: no classification provided. Collection method: in vitro. Allele origin: not applicable. Functional consequence: retained intron. Not counted in ClinVar's aggregate classification.

Dr. Peter K. Rogan Lab, Western University
No classification provided (evidence only). Condition: Thyroid cancer, nonmedullary, 1. Review status: no classification provided. Collection method: in vitro. Allele origin: not applicable. Functional consequence: retained intron. Not counted in ClinVar's aggregate classification.

Dr. Peter K. Rogan Lab, Western University
No classification provided (evidence only). Condition: Cervical cancer. Review status: no classification provided. Collection method: in vitro. Allele origin: not applicable. Functional consequence: cryptic splice site, retained intron. Not counted in ClinVar's aggregate classification.

Dr. Peter K. Rogan Lab, Western University
No classification provided (evidence only). Condition: Cervical cancer. Review status: no classification provided. Collection method: in vitro. Allele origin: not applicable. Functional consequence: cryptic splice site. Not counted in ClinVar's aggregate classification.

Dr. Peter K. Rogan Lab, Western University
No classification provided (evidence only). Condition: Cervical cancer. Review status: no classification provided. Collection method: in vitro. Allele origin: not applicable. Functional consequence: skipped exon, retained intron. Not counted in ClinVar's aggregate classification.

Dr. Peter K. Rogan Lab, Western University
No classification provided (evidence only). Condition: Thymoma. Review status: no classification provided. Collection method: in vitro. Allele origin: not applicable. Functional consequence: retained intron. Not counted in ClinVar's aggregate classification.

Dr. Peter K. Rogan Lab, Western University
No classification provided (evidence only). Condition: Ovarian serous cystadenocarcinoma. Review status: no classification provided. Collection method: in vitro. Allele origin: not applicable. Functional consequence: retained intron. Not counted in ClinVar's aggregate classification.

Dr. Peter K. Rogan Lab, Western University
No classification provided (evidence only). Condition: Ovarian serous cystadenocarcinoma. Review status: no classification provided. Collection method: in vitro. Allele origin: not applicable. Functional consequence: retained intron. Not counted in ClinVar's aggregate classification.

Dr. Peter K. Rogan Lab, Western University
No classification provided (evidence only). Condition: Ovarian serous cystadenocarcinoma. Review status: no classification provided. Collection method: in vitro. Allele origin: not applicable. Functional consequence: retained intron. Not counted in ClinVar's aggregate classification.

Dr. Peter K. Rogan Lab, Western University
No classification provided (evidence only). Condition: Malignant tumor of esophagus. Review status: no classification provided. Collection method: in vitro. Allele origin: not applicable. Functional consequence: retained intron. Not counted in ClinVar's aggregate classification.

Dr. Peter K. Rogan Lab, Western University
No classification provided (evidence only). Condition: Malignant tumor of esophagus. Review status: no classification provided. Collection method: in vitro. Allele origin: not applicable. Functional consequence: cryptic splice site, retained intron. Not counted in ClinVar's aggregate classification.

Dr. Peter K. Rogan Lab, Western University
No classification provided (evidence only). Condition: Familial pancreatic carcinoma. Review status: no classification provided. Collection method: in vitro. Allele origin: not applicable. Functional consequence: cryptic splice site. Not counted in ClinVar's aggregate classification.

NM_004656.4(BAP1):c.1891-30G>C

Gene: BAP1 (BRCA1 associated deubiquitinase 1; minus strand). Cytogenetic location: 3p21.1.
Variant type: single nucleotide variant.
Coding change: c.1891-30G>C on transcript NM_004656.4 (MANE Select); 30 bases into the intron before coding-DNA position 1891, G replaced by C.
Molecular consequence: intron variant.
Genome position (GRCh38, 1-based): chr3:52,402,901, C>G on the plus strand (G>C on the coding strand, the complement: BAP1 is on the minus strand). VCF-style: chr3-52402901-C-G. GRCh37 (hg19) VCF-style: chr3-52436917-C-G.
Other names: NC_000003.11:g.52436917C>G.
Identifiers: ClinVar variation 676849 (VCV000676849.10), dbSNP rs146661777, ClinGen allele CA2436663.